The following is an entry in ClinVar:

ClinVar aggregate classification (germline): Uncertain significance (1 of 4 stars; one submission).

Conditions:
ALMS1-related disorder. Also called: ALMS1-related condition.

Submission:

PreventionGenetics, part of Exact Sciences
Classification: Uncertain significance for ALMS1-related condition. Last evaluated: 2026-02-09. Review status: criteria provided, single submitter. Criteria: ACMG Guidelines, 2015. Collection method: clinical testing. Allele origin: germline.
Comment: The ALMS1 c.1450G>C variant is predicted to result in the amino acid substitution p.Gly484Arg. To our knowledge, this variant has not been reported in the literature. This variant is reported in 0.013% of alleles in individuals of European (Non-Finnish) descent in gnomAD. At this time, the clinical significance of this variant is uncertain due to the absence of conclusive functional and genetic evidence.

NM_001378454.1(ALMS1):c.1447G>C (p.Gly483Arg)

Gene: ALMS1 (ALMS1 centrosome and basal body associated protein; plus strand). Cytogenetic location: 2p13.1.
Variant type: single nucleotide variant.
Coding change: c.1447G>C on transcript NM_001378454.1 (MANE Select); coding-DNA position 1447, G replaced by C.
Protein change: p.Gly483Arg; replaces glycine 483 with arginine.
Molecular consequence: missense variant.
Genome position (GRCh38, 1-based): chr2:73,447,974, G>C. VCF-style: chr2-73447974-G-C. GRCh37 (hg19) VCF-style: chr2-73675104-G-C.
Other names: c.1450G>C, p.Gly484Arg (NM_015120.4); short protein forms G483R, G484R.
Identifiers: ClinVar variation 4997617 (VCV004997617.1).
Genomic context (GRCh38, chr2:73,447,974, plus strand): 5'-AAAATAGAAAATTTTATATACTATTAACAAATCTCTTTTTCTTTAGGAGACACTTCTAAA[G>C]GAGGCATAGCTAAAGTTACTCAATCCAACTTGAAGTCAGGCATCACTACCACTCCTGTTG-3'
Protein context (NP_001365383.1, residues 473-493): KHLKAGDTSK[Gly483Arg]GIAKVTQSNL